The following is an entry in ClinVar:

ClinVar aggregate classification (germline): Uncertain significance (1 of 4 stars; one submission).

Conditions:
MOGS-congenital disorder of glycosylation. Also called: MOGS-CDG; CDG 2B; CDG IIb; GLUCOSIDASE I DEFICIENCY. Identifiers: Orphanet 79330, MedGen C1853736, MONDO:0011629, OMIM 606056.

Allele frequency attached by ClinVar (database versions not stated): gnomAD exomes below 0.00001 and 0.00001; TOPMed below 0.00001.
gnomAD v4.1: 3 of 1,614,226 alleles (0.00019%); highest among the groups gnomAD compares: South Asian, 0.0033%; no homozygotes.

Submission:

Labcorp Genetics (formerly Invitae), Labcorp
Classification: Uncertain significance for MOGS-congenital disorder of glycosylation. Last evaluated: 2025-03-05. Review status: criteria provided, single submitter. Criteria: Invitae Variant Classification Sherloc (09022015). Collection method: clinical testing. Allele origin: germline.
Comment: This sequence change replaces leucine, which is neutral and non-polar, with serine, which is neutral and polar, at codon 697 of the MOGS protein (p.Leu697Ser). This variant is present in population databases (no rsID available, gnomAD 0.003%). This missense change has been observed in individual(s) with congenital disorder of glycosylation (PMID: 35790351). ClinVar contains an entry for this variant (Variation ID: 1035294). Invitae Evidence Modeling of protein sequence and biophysical properties (such as structural, functional, and spatial information, amino acid conservation, physicochemical variation, residue mobility, and thermodynamic stability) indicates that this missense variant is expected to disrupt MOGS protein function with a positive predictive value of 80%. In summary, the available evidence is currently insufficient to determine the role of this variant in disease. Therefore, it has been classified as a Variant of Uncertain Significance.

Literature cited by the submitters: PubMed 35790351.

NM_006302.3(MOGS):c.2090T>C (p.Leu697Ser)

Gene: MOGS (mannosyl-oligosaccharide glucosidase; minus strand). Cytogenetic location: 2p13.1.
Variant type: single nucleotide variant.
Coding change: c.2090T>C on transcript NM_006302.3 (MANE Select); coding-DNA position 2090, T replaced by C.
Protein change: p.Leu697Ser; replaces leucine 697 with serine.
Molecular consequence: missense variant.
Genome position (GRCh38, 1-based): chr2:74,461,699, A>G on the plus strand (T>C on the coding strand, the complement: MOGS is on the minus strand). VCF-style: chr2-74461699-A-G. GRCh37 (hg19) VCF-style: chr2-74688826-A-G.
Other names: c.1772T>C, p.Leu591Ser (NM_001146158.2); short protein forms L697S, L591S.
Identifiers: ClinVar variation 1035294 (VCV001035294.9), dbSNP rs1382859530, ClinGen allele CA347367973.
Genomic context (GRCh38, chr2:74,461,699, plus strand): 5'-GCTAGAATGTCCAGCAGGGGCCCAAGGCGGGATGAGGTGGGGTCCAGCAGTCGCAGCAGC[A>G]AGGGAAAAAGACTGACATAGCCAAGAGCATCTACATACTGCAGTTGAGGTTGGGGCCGAC-3'
Protein context (NP_006293.2, residues 687-707): DALGYVSLFP[Leu697Ser]LLRLLDPTSS